The following is an entry in ClinVar:

ClinVar aggregate classification (germline): Likely pathogenic (1 of 4 stars; one submission).

Conditions:
FREM1-related disorder. Also called: FREM1-Related Disorders; FREM1-related condition.

Submission:

Division of Genetic & Genomic Pathology, Hong Kong Children's Hospital
Classification: Likely pathogenic for FREM1-related disorder. Last evaluated: 2024-09-13. Review status: criteria provided, single submitter. Criteria: ACMG Guidelines, 2015. Collection method: clinical testing. Allele origin: germline. Affected: yes.
Comment: FREM1 c.6269_6285del p.(Leu2090Glnfs*35) is a 17-bp deletion variant located in exon 36 (out of 37 exons). The premature termination codon is located within the 3’-most 50 bp of the penultimate exon, and is predicted to cause frameshift without undergoing nonsense-mediated decay. This variant is absent in population controls (gnomAD v2.1.1 and gnomAD v4.1.0), and is not reported in ClinVar or HGMD Professional (v2024.2). For these reasons, this variant is classified as likely pathogenic. This variant was inherited in trans with a splicing variant.

NM_001379081.2(FREM1):c.6269_6285del (p.Leu2090fs)

Gene: FREM1 (FRAS1 related extracellular matrix 1; minus strand). Cytogenetic location: 9p22.3.
Variant type: Deletion.
Coding change: c.6269_6285del on transcript NM_001379081.2 (MANE Select); coding-DNA positions 6269 to 6285, 17 bases deleted (TTGTAACTGTATTCTCC).
Protein change: p.Leu2090fs; shifts the reading frame from leucine 2090.
Molecular consequence: frameshift variant. On other transcripts: non-coding transcript variant (3).
Genome position (GRCh38, 1-based): chr9:14,740,204-14,740,220, GGAGAATACAGTTACAA deleted on the plus strand (TTGTAACTGTATTCTCC on the coding strand, the reverse complement: FREM1 is on the minus strand); deleting any 17 consecutive bases within chr9:14,740,204-14,740,222 gives the same sequence; the c. name uses the placement nearest the transcript's 3' end. VCF-style (leftmost placement, unchanged base first): chr9-14740203-TGGAGAATACAGTTACAA-T. GRCh37 (hg19) VCF-style: chr9-14740201-TGGAGAATACAGTTACAA-T.
Other names: c.1877_1893del, p.Leu626fs (NM_001177704.3, NM_001370061.2); c.1611_1627del, p.Cys538fs (NM_001370058.2); c.6269_6285del, p.Leu2090fs (NM_144966.7); short protein forms C538fs, L2090fs, L626fs.
Identifiers: ClinVar variation 4819687 (VCV004819687.1).